The following is an entry in ClinVar:

ClinVar aggregate classification (germline): Uncertain significance. Review status: criteria provided, multiple submitters, no conflicts (2 of 4 stars). 4 submissions from 2 submitters: Uncertain significance (4). Last evaluated 2022-05-11.

Conditions:
Gastrointestinal stromal tumor. Also called: Gastrointestinal stroma tumor; Gastrointestinal stromal tumor, somatic. Identifiers: Orphanet 44890, MedGen C0238198, MeSH D046152, MONDO:0011719, OMIM 606764, HP:0100723.
Piebaldism. Also called: Piebald skin depigmentation. Identifiers: Orphanet 2884, MedGen C0080024, MONDO:0008244, OMIM 172800, HP:0007544.
Mastocytosis. Also called: Mast Cell Disease. Identifiers: Orphanet 98292, MedGen C0024899, MONDO:0007950, HP:0100495.

Submissions (4):

Labcorp Genetics (formerly Invitae), Labcorp
Classification: Uncertain significance for Gastrointestinal stromal tumor. Last evaluated: 2022-05-11. Review status: criteria provided, single submitter. Criteria: Invitae Variant Classification Sherloc (09022015). Collection method: clinical testing. Allele origin: germline.
Comment: In summary, the available evidence is currently insufficient to determine the role of this variant in disease. Therefore, it has been classified as a Variant of Uncertain Significance. Algorithms developed to predict the effect of missense changes on protein structure and function output the following: SIFT: "Tolerated"; PolyPhen-2: "Benign"; Align-GVGD: "Class C0". The valine amino acid residue is found in multiple mammalian species, which suggests that this missense change does not adversely affect protein function. ClinVar contains an entry for this variant (Variation ID: 901844). This variant has not been reported in the literature in individuals affected with KIT-related conditions. This variant is not present in population databases (gnomAD no frequency). This sequence change replaces leucine, which is neutral and non-polar, with valine, which is neutral and non-polar, at codon 71 of the KIT protein (p.Leu71Val).

Illumina Laboratory Services, Illumina
Classification: Uncertain significance for Cutaneous mastocytosis. Last evaluated: 2018-01-12. Review status: criteria provided, single submitter. Criteria: ICSL Variant Classification Criteria 13 December 2019. Collection method: clinical testing. Allele origin: germline.

Illumina Laboratory Services, Illumina
Classification: Uncertain significance for Gastrointestinal stromal tumor. Last evaluated: 2018-01-12. Review status: criteria provided, single submitter. Criteria: ICSL Variant Classification Criteria 13 December 2019. Collection method: clinical testing. Allele origin: germline.

Illumina Laboratory Services, Illumina
Classification: Uncertain significance for Piebaldism. Last evaluated: 2018-01-12. Review status: criteria provided, single submitter. Criteria: ICSL Variant Classification Criteria 13 December 2019. Collection method: clinical testing. Allele origin: germline.

NM_000222.3(KIT):c.211C>G (p.Leu71Val)

Gene: KIT (KIT proto-oncogene, receptor tyrosine kinase; plus strand). Cytogenetic location: 4q12.
Variant type: single nucleotide variant.
Coding change: c.211C>G on transcript NM_000222.3 (MANE Select); coding-DNA position 211, C replaced by G.
Protein change: p.Leu71Val; replaces leucine 71 with valine.
Molecular consequence: missense variant.
Genome position (GRCh38, 1-based): chr4:54,695,655, C>G. VCF-style: chr4-54695655-C-G. GRCh37 (hg19) VCF-style: chr4-55561821-C-G.
Other names: c.211C>G, p.Leu71Val (NM_001093772.2, NM_001385284.1, NM_001385285.1 and 4 more transcripts); short protein forms L71V.
Identifiers: ClinVar variation 901844 (VCV000901844.9), dbSNP rs1720013807, ClinGen allele CA356897071.